The following is an entry in ClinVar:

ClinVar aggregate classification (germline): Uncertain significance (1 of 4 stars; one submission).

Submission:

GeneDx
Classification: Uncertain significance. Last evaluated: 2023-12-24. Review status: criteria provided, single submitter. Criteria: GeneDx Variant Classification Process June 2021. Collection method: clinical testing. Allele origin: germline. Affected: yes.
Comment: Not observed at significant frequency in large population cohorts (gnomAD); In silico analysis supports that this missense variant does not alter protein structure/function; Has not been previously published as pathogenic or benign to our knowledge

NM_015057.5(MYCBP2):c.12520A>G (p.Ile4174Val)

Gene: MYCBP2 (MYC binding protein 2; minus strand). Cytogenetic location: 13q22.3.
Variant type: single nucleotide variant.
Coding change: c.12520A>G on transcript NM_015057.5 (MANE Select); coding-DNA position 12520, A replaced by G.
Protein change: p.Ile4174Val; replaces isoleucine 4174 with valine.
Molecular consequence: missense variant.
Genome position (GRCh38, 1-based): chr13:77,066,024, T>C on the plus strand (A>G on the coding strand, the complement: MYCBP2 is on the minus strand). VCF-style: chr13-77066024-T-C. GRCh37 (hg19) VCF-style: chr13-77640159-T-C.
Other names: short protein forms I4174V.
Identifiers: ClinVar variation 3365863 (VCV003365863.1).